The following is an entry in ClinVar:

ClinVar aggregate classification (germline): Uncertain significance (1 of 4 stars; one submission).

gnomAD v4.1: 43 of 1,564,730 alleles (0.0027%); highest among the groups gnomAD compares: African/African-American, 0.04%; no homozygotes.

Submission:

Ambry Genetics
Classification: Uncertain significance. Last evaluated: 2026-07-19. Review status: criteria provided, single submitter. Criteria: Ambry Variant Classification Scheme 2023. Collection method: clinical testing. Allele origin: germline.
Comment: The c.880G>C (p.G294R) alteration is located in exon 4 (coding exon 4) of the KIF26A gene. This alteration results from a G to C substitution at nucleotide position 880, causing the glycine (G) at amino acid position 294 to be replaced by an arginine (R). Based on data from gnomAD, the C allele has an overall frequency of 0.001% (3/234416) total alleles studied. The highest observed frequency was 0.014% (3/21138) of African alleles. Based on insufficient or conflicting evidence, the clinical significance of this alteration remains unclear.

NM_015656.2(KIF26A):c.880G>C (p.Gly294Arg)

Gene: KIF26A (kinesin family member 26A; plus strand). Cytogenetic location: 14q32.33.
Variant type: single nucleotide variant.
Coding change: c.880G>C on transcript NM_015656.2 (MANE Select); coding-DNA position 880, G replaced by C.
Protein change: p.Gly294Arg; replaces glycine 294 with arginine.
Molecular consequence: missense variant.
Genome position (GRCh38, 1-based): chr14:104,157,899, G>C. VCF-style: chr14-104157899-G-C. GRCh37 (hg19) VCF-style: chr14-104624236-G-C.
Other names: short protein forms G294R.
Identifiers: ClinVar variation 5023245 (VCV005023245.1).